The following is an entry in ClinVar:

ClinVar aggregate classification (germline): Uncertain significance (1 of 4 stars; one submission).

Allele frequency attached by ClinVar (database versions not stated): ExAC 0.00001; gnomAD 0.00001; gnomAD exomes 0.00001.
gnomAD v4.1: 14 of 1,605,166 alleles (0.00087%); highest among the groups gnomAD compares: Non-Finnish European, 0.0012%; no homozygotes.

Submission:

Labcorp Genetics (formerly Invitae), Labcorp
Classification: Uncertain significance. Last evaluated: 2024-09-28. Review status: criteria provided, single submitter. Criteria: Invitae Variant Classification Sherloc (09022015). Collection method: clinical testing. Allele origin: germline.
Comment: This sequence change replaces serine, which is neutral and polar, with arginine, which is basic and polar, at codon 145 of the HTRA2 protein (p.Ser145Arg). This variant is present in population databases (rs760581528, gnomAD 0.004%). This variant has not been reported in the literature in individuals affected with HTRA2-related conditions. ClinVar contains an entry for this variant (Variation ID: 1933500). Invitae Evidence Modeling of protein sequence and biophysical properties (such as structural, functional, and spatial information, amino acid conservation, physicochemical variation, residue mobility, and thermodynamic stability) indicates that this missense variant is not expected to disrupt HTRA2 protein function with a negative predictive value of 80%. Algorithms developed to predict the effect of sequence changes on RNA splicing suggest that this variant may create or strengthen a splice site. In summary, the available evidence is currently insufficient to determine the role of this variant in disease. Therefore, it has been classified as a Variant of Uncertain Significance.

NM_013247.5(HTRA2):c.435T>G (p.Ser145Arg)

Gene: HTRA2 (HtrA serine peptidase 2; plus strand). Cytogenetic location: 2p13.1.
Variant type: single nucleotide variant.
Coding change: c.435T>G on transcript NM_013247.5 (MANE Select); coding-DNA position 435, T replaced by G.
Protein change: p.Ser145Arg; replaces serine 145 with arginine.
Molecular consequence: missense variant. On other transcripts: non-coding transcript variant (2).
Genome position (GRCh38, 1-based): chr2:74,530,441, T>G. VCF-style: chr2-74530441-T-G. GRCh37 (hg19) VCF-style: chr2-74757568-T-G.
Other names: c.435T>G, p.Ser145Arg (NM_001321727.1, NM_001321728.1, NM_145074.2); short protein forms S145R.
Identifiers: ClinVar variation 1933500 (VCV001933500.4), dbSNP rs760581528, ClinGen allele CA1728348.